The following is an entry in ClinVar:

ClinVar aggregate classification (germline): Uncertain significance (1 of 4 stars; one submission).

Submission:

GeneDx
Classification: Uncertain significance. Last evaluated: 2023-12-08. Review status: criteria provided, single submitter. Criteria: GeneDx Variant Classification Process June 2021. Collection method: clinical testing. Allele origin: germline. Affected: yes.
Comment: Not observed at significant frequency in large population cohorts (gnomAD); In silico analysis supports that this missense variant has a deleterious effect on protein structure/function; Has not been previously published as pathogenic or benign to our knowledge

NM_001042750.2(STAG2):c.1151A>T (p.Tyr384Phe)

Gene: STAG2 (STAG2 cohesin complex component; plus strand). Cytogenetic location: Xq25.
Variant type: single nucleotide variant.
Coding change: c.1151A>T on transcript NM_001042750.2 (MANE Select); coding-DNA position 1151, A replaced by T.
Protein change: p.Tyr384Phe; replaces tyrosine 384 with phenylalanine.
Molecular consequence: missense variant.
Genome position (GRCh38, 1-based): chrX:124,051,349, A>T. VCF-style: chrX-124051349-A-T. GRCh37 (hg19) VCF-style: chrX-123185199-A-T.
Other names: c.1151A>T, p.Tyr384Phe (NM_001042749.2, NM_001042751.2, NM_001282418.2 and 13 more transcripts); short protein forms Y384F.
Identifiers: ClinVar variation 3365252 (VCV003365252.1).
Genomic context (GRCh38, chrX:124,051,349, plus strand): 5'-AAATATTTTAATTTTTTTGTCCTTAGGATAGAATTGTGTCTATGACCCTTGACAAAGAAT[A>T]TGATGTTGCAGTACAAGCAATAAAATTACTCACTCTTGTTTTACAGTAAGTATGTATTTG-3'
Protein context (NP_001036215.1, residues 374-394): RIVSMTLDKE[Tyr384Phe]DVAVQAIKLL